The following is an entry in ClinVar:

NM_001042492.3(NF1):c.4782C>G (p.Tyr1594Ter)

Gene: NF1 (neurofibromin 1; plus strand). Cytogenetic location: 17q11.2.
Variant type: single nucleotide variant.
Coding change: c.4782C>G on transcript NM_001042492.3 (MANE Select); coding-DNA position 4782, C replaced by G.
Protein change: p.Tyr1594Ter; replaces tyrosine 1594 with a stop codon.
Molecular consequence: nonsense.
Genome position (GRCh38, 1-based): chr17:31,265,286, C>G. VCF-style: chr17-31265286-C-G. GRCh37 (hg19) VCF-style: chr17-29592304-C-G.
Other names: c.4719C>G, p.Tyr1573Ter (NM_000267.4); short protein forms Y1573*, Y1594*.
Identifiers: ClinVar variation 1454420 (VCV001454420.6), dbSNP rs2151470201, ClinGen allele CA399001280.

ClinVar aggregate classification (germline): Pathogenic (1 of 4 stars; one submission).

Conditions:
Neurofibromatosis, type 1 (NF1). Also called: Neurofibromatosis, type I; VON RECKLINGHAUSEN DISEASE; NEUROFIBROMATOSIS, TYPE I, SOMATIC; Peripheral type neurofibromatosis. Identifiers: Orphanet 636, MedGen C0027831, MONDO:0018975, OMIM 162200. Disease mechanism: loss of function.

Submission:

Labcorp Genetics (formerly Invitae), Labcorp
Classification: Pathogenic for Neurofibromatosis, type 1. Last evaluated: 2023-01-21. Review status: criteria provided, single submitter. Criteria: Invitae Variant Classification Sherloc (09022015). Collection method: clinical testing. Allele origin: germline.
Comment: For these reasons, this variant has been classified as Pathogenic. ClinVar contains an entry for this variant (Variation ID: 1454420). This premature translational stop signal has been observed in individual(s) with neurofibromatosis type 1 (PMID: 10712197, 30530636). This variant is not present in population databases (gnomAD no frequency). This sequence change creates a premature translational stop signal (p.Tyr1573*) in the NF1 gene. It is expected to result in an absent or disrupted protein product. Loss-of-function variants in NF1 are known to be pathogenic (PMID: 10712197, 23913538).

Literature cited by the submitters: PubMed 10712197; PubMed 30530636; PubMed 23913538.